The following is an entry in ClinVar:

ClinVar aggregate classification (germline): Likely pathogenic (1 of 4 stars; one submission).

Conditions:
Hereditary cancer-predisposing syndrome. Also called: Neoplastic Syndromes, Hereditary; Tumor predisposition; Hereditary Cancer Syndrome; Hereditary neoplastic syndrome. Identifiers: Orphanet 140162, MedGen C0027672, MeSH D009386, MONDO:0015356.

Submission:

Ambry Genetics
Classification: Likely pathogenic for Hereditary cancer-predisposing syndrome. Last evaluated: 2015-06-08. Review status: criteria provided, single submitter. Criteria: Ambry Variant Classification Scheme 2023. Collection method: clinical testing. Allele origin: germline.
Comment: The c.48+2T>G intronic variant results from a T to G substitution two nucleotides after coding exon 1 in the PALB2 gene. This variant was not reported in population based cohorts in the following databases: Database of Single Nucleotide Polymorphisms (dbSNP), NHLBI Exome Sequencing Project (ESP), and 1000 Genomes Project. In the ESP, this variant was not observed in 6497 samples (12994 alleles) with coverage at this position. To date, this alteration has been detected with an allele frequency of approximately 0.001% (greater than 70000 alleles tested) in our clinical cohort. This nucleotide position is highly conserved in available vertebrate species. Using the BDGP and ESEfinder splice site prediction tools, this alteration is predicted to abolish the native donor splice site; however, direct evidence is unavailable. Alterations that disrupt the canonical splice donor site are typically deleterious in nature (ACMG Recommendations for Standards for Interpretation and Reporting of Sequence Variations. Revision 2007. Genet Med. 2008;10:294). As such, the c.48+2T>G variant is classified as likely pathogenic.

NM_024675.4(PALB2):c.48+2T>G

Gene: PALB2 (partner and localizer of BRCA2; minus strand). Cytogenetic location: 16p12.2.
Variant type: single nucleotide variant.
Coding change: c.48+2T>G on transcript NM_024675.4 (MANE Select); the canonical splice donor site of the intron after coding-DNA position 48, T replaced by G.
Molecular consequence: splice donor variant. On other transcripts: 5 prime UTR variant (2), intron variant (2).
Genome position (GRCh38, 1-based): chr16:23,641,108, A>C on the plus strand (T>G on the coding strand, the complement: PALB2 is on the minus strand). VCF-style: chr16-23641108-A-C. GRCh37 (hg19) VCF-style: chr16-23652429-A-C.
Other names: c.-1694T>G (NM_001407304.1, NM_001407310.1); c.-838+19T>G (NM_001407308.1, NM_001407306.1); c.48+2T>G (NM_001407314.1, NM_001407296.1, NM_001407297.1 and 5 more transcripts); c.-105+2T>G (NM_001407313.1, NM_001407312.1); c.-972+2T>G (NM_001407307.1, NM_001407309.1, NM_001407311.1 and 1 more transcripts).
Identifiers: ClinVar variation 232295 (VCV000232295.5), dbSNP rs876659679, ClinGen allele CA10580057.
Genomic context (GRCh38, chr16:23,641,108, plus strand): 5'-GCCTAAAACCCTGGGAAAGCGGGGTCAGAGTCCTGCGTCCGCCCTTCCCGCACCCCCGGC[A>C]CCTTTTCCTTCTCCTCACAGCTGAGGGGCTTCCCGGGAGGCTCGTCCATCGGGCAGGCGA-3'